The following is an entry in ClinVar:

ClinVar aggregate classification (germline): Uncertain significance. Review status: criteria provided, multiple submitters, no conflicts (2 of 4 stars). 2 submissions from 2 submitters: Uncertain significance (2). Last evaluated 2026-08-27.

Conditions:
Inborn genetic diseases. Identifiers: MedGen C0950123, MeSH D030342.

gnomAD v4.1: 1 of 1,613,108 alleles (0.000062%); highest among the groups gnomAD compares: African/African-American, 0.0013%; no homozygotes.

Submissions (2):

Ambry Genetics
Classification: Uncertain significance for Inborn genetic diseases. Last evaluated: 2026-08-27. Review status: criteria provided, single submitter. Criteria: Ambry Variant Classification Scheme 2023. Collection method: clinical testing. Allele origin: germline.
Comment: The c.236+5G>A intronic alteration consists of a G to A substitution nucleotides after coding exon 2 in the KDM6B gene. This variant was not reported in population-based cohorts in the Genome Aggregation Database (gnomAD). Based on insufficient or conflicting evidence, the clinical significance of this alteration remains unclear.

Blueprint Genetics
Classification: Uncertain significance. Last evaluated: 2019-06-03. Review status: criteria provided, single submitter. Criteria: ACMG Guidelines, 2015. Collection method: clinical testing. Allele origin: germline.

NM_001348716.2(KDM6B):c.236+5G>A

Gene: KDM6B (lysine demethylase 6B; plus strand). Cytogenetic location: 17p13.1.
Variant type: single nucleotide variant.
Coding change: c.236+5G>A on transcript NM_001348716.2 (MANE Select); 5 bases into the intron after coding-DNA position 236, G replaced by A.
Molecular consequence: intron variant.
Genome position (GRCh38, 1-based): chr17:7,845,975, G>A. VCF-style: chr17-7845975-G-A. GRCh37 (hg19) VCF-style: chr17-7749293-G-A.
Other names: c.236+5G>A (NM_001080424.2, NM_001080424.1).
Identifiers: ClinVar variation 4933314 (VCV004933314.2).